The following is an entry in ClinVar:

ClinVar aggregate classification (germline): Uncertain significance (1 of 4 stars; one submission).

Conditions:
Ullrich congenital muscular dystrophy 2 (UCMD2). Identifiers: Orphanet 75840, MedGen C4225314, MONDO:0014654, OMIM 616470.
Bethlem myopathy 2 (BTHLM2). Identifiers: Orphanet 536516, Orphanet 610, MedGen C4225313, MONDO:0034022, OMIM 616471.

Submission:

Labcorp Genetics (formerly Invitae), Labcorp
Classification: Uncertain significance for Bethlem myopathy 2; Ullrich congenital muscular dystrophy 2. Last evaluated: 2023-11-18. Review status: criteria provided, single submitter. Criteria: Invitae Variant Classification Sherloc (09022015). Collection method: clinical testing. Allele origin: germline.
Comment: This sequence change replaces serine, which is neutral and polar, with glycine, which is neutral and non-polar, at codon 1433 of the COL12A1 protein (p.Ser1433Gly). This variant is not present in population databases (gnomAD no frequency). This variant has not been reported in the literature in individuals affected with COL12A1-related conditions. Advanced modeling of protein sequence and biophysical properties (such as structural, functional, and spatial information, amino acid conservation, physicochemical variation, residue mobility, and thermodynamic stability) performed at Invitae indicates that this missense variant is not expected to disrupt COL12A1 protein function with a negative predictive value of 80%. In summary, the available evidence is currently insufficient to determine the role of this variant in disease. Therefore, it has been classified as a Variant of Uncertain Significance.

NM_004370.6(COL12A1):c.4297A>G (p.Ser1433Gly)

Gene: COL12A1 (collagen type XII alpha 1 chain; minus strand). Cytogenetic location: 6q13.
Variant type: single nucleotide variant.
Coding change: c.4297A>G on transcript NM_004370.6 (MANE Select); coding-DNA position 4297, A replaced by G.
Protein change: p.Ser1433Gly; replaces serine 1433 with glycine.
Molecular consequence: missense variant.
Genome position (GRCh38, 1-based): chr6:75,147,795, T>C on the plus strand (A>G on the coding strand, the complement: COL12A1 is on the minus strand). VCF-style: chr6-75147795-T-C. GRCh37 (hg19) VCF-style: chr6-75857511-T-C.
Other names: c.805A>G, p.Ser269Gly (NM_001424116.1, NM_080645.3); c.4297A>G, p.Ser1433Gly (NM_001424113.1, NM_001424114.1); c.4024A>G, p.Ser1342Gly (NM_001424115.1); short protein forms S1342G, S269G, S1433G.
Identifiers: ClinVar variation 2953996 (VCV002953996.3), dbSNP rs2533372917, ClinGen allele CA364744870.